The following is an entry in ClinVar:

NM_004311.4(ARL3):c.166G>A (p.Val56Ile)

Gene: ARL3 (ARF like GTPase 3; minus strand). Cytogenetic location: 10q24.32.
Variant type: single nucleotide variant.
Coding change: c.166G>A on transcript NM_004311.4 (MANE Select); coding-DNA position 166, G replaced by A.
Protein change: p.Val56Ile; replaces valine 56 with isoleucine.
Molecular consequence: missense variant.
Genome position (GRCh38, 1-based): chr10:102,699,471, C>T on the plus strand (G>A on the coding strand, the complement: ARL3 is on the minus strand). VCF-style: chr10-102699471-C-T. GRCh37 (hg19) VCF-style: chr10-104459228-C-T.
Other names: short protein forms V56I.
Identifiers: ClinVar variation 969766 (VCV000969766.10), dbSNP rs147412031, ClinGen allele CA5668499.

ClinVar aggregate classification (germline): Uncertain significance. Review status: criteria provided, multiple submitters, no conflicts (2 of 4 stars). 3 submissions from 3 submitters: Uncertain significance (3). Last evaluated 2025-10-17.

Conditions:
Inborn genetic diseases. Identifiers: MedGen C0950123, MeSH D030342.

Allele frequency attached by ClinVar (database versions not stated): ExAC 0.00008; ESP Exome Variant Server 0.00008; gnomAD 0.00010; gnomAD exomes 0.00011; TOPMed 0.00011.
gnomAD v4.1: 401 of 1,607,808 alleles (0.025%); highest among the groups gnomAD compares: Non-Finnish European, 0.032%; 1 homozygote.

Submissions (3):

Labcorp Genetics (formerly Invitae), Labcorp
Classification: Uncertain significance. Last evaluated: 2025-10-17. Review status: criteria provided, single submitter. Criteria: Invitae Variant Classification Sherloc (09022015). Collection method: clinical testing. Allele origin: germline.
Comment: This sequence change replaces valine, which is neutral and non-polar, with isoleucine, which is neutral and non-polar, at codon 56 of the ARL3 protein (p.Val56Ile). This variant is present in population databases (rs147412031, gnomAD 0.02%). This variant has not been reported in the literature in individuals affected with ARL3-related conditions. ClinVar contains an entry for this variant (Variation ID: 969766). An algorithm developed to predict the effect of missense changes on protein structure and function (PolyPhen-2) suggests that this variant is likely to be tolerated. In summary, the available evidence is currently insufficient to determine the role of this variant in disease. Therefore, it has been classified as a Variant of Uncertain Significance.

Ambry Genetics
Classification: Uncertain significance for Inborn genetic diseases. Last evaluated: 2025-03-03. Review status: criteria provided, single submitter. Criteria: Ambry Variant Classification Scheme 2023. Collection method: clinical testing. Allele origin: germline.

Blueprint Genetics
Classification: Uncertain significance. Last evaluated: 2024-02-14. Review status: criteria provided, single submitter. Criteria: ACMG Guidelines, 2015. Collection method: clinical testing. Allele origin: germline.